The following is an entry in ClinVar:

ClinVar aggregate classification (germline): Likely pathogenic (1 of 4 stars; one submission).

Conditions:
Mitochondrial DNA depletion syndrome 6 (hepatocerebral type). Also called: NAVAJO NEUROPATHY; Mitochondrial DNA depletion syndrome type 6; Navajo neurohepatopathy. Identifiers: Orphanet 255229, MedGen C1850406, MONDO:0009747, OMIM 256810.

Allele frequency attached by ClinVar (database versions not stated): gnomAD exomes below 0.00001; ExAC 0.00001.
gnomAD v4.1: 1 of 1,614,160 alleles (0.000062%); highest among the groups gnomAD compares: Non-Finnish European, 0.000085%; no homozygotes.

Submission:

SIB Swiss Institute of Bioinformatics
Classification: Likely pathogenic for Mitochondrial DNA depletion syndrome 6 (hepatocerebral type). Last evaluated: 2019-08-13. Review status: criteria provided, single submitter. Criteria: ACMG Guidelines, 2015. Collection method: curation. Allele origin: unknown.
Comment: This variant is interpreted as a Likely pathogenic for Mitochondrial DNA depletion syndrome 6, autosomal recessive. The following ACMG Tag(s) were applied: PM2, PP1, PVS1-strong, PM3-supporting.

Literature cited by the submitters: PubMed 23714749.

NM_002437.5(MPV17):c.130C>T (p.Gln44Ter)

Gene: MPV17 (mitochondrial inner membrane protein MPV17; minus strand). Cytogenetic location: 2p23.3.
Variant type: single nucleotide variant.
Coding change: c.130C>T on transcript NM_002437.5 (MANE Select); coding-DNA position 130, C replaced by T.
Protein change: p.Gln44Ter; replaces glutamine 44 with a stop codon.
Molecular consequence: nonsense.
Genome position (GRCh38, 1-based): chr2:27,313,050, G>A on the plus strand (C>T on the coding strand, the complement: MPV17 is on the minus strand). VCF-style: chr2-27313050-G-A. GRCh37 (hg19) VCF-style: chr2-27535917-G-A.
Other names: short protein forms Q44*.
Identifiers: ClinVar variation 694365 (VCV000694365.1), dbSNP rs772370243, ClinGen allele CA1575664.